The following is an entry in ClinVar:

ClinVar aggregate classification (germline): Uncertain significance (1 of 4 stars; one submission).

Conditions:
EGFR-related lung cancer (EGFR). Identifiers: MedGen CN130014.

Submission:

Labcorp Genetics (formerly Invitae), Labcorp
Classification: Uncertain significance for EGFR-related lung cancer. Last evaluated: 2024-09-01. Review status: criteria provided, single submitter. Criteria: Invitae Variant Classification Sherloc (09022015). Collection method: clinical testing. Allele origin: germline.
Comment: This sequence change replaces histidine, which is basic and polar, with glutamine, which is neutral and polar, at codon 358 of the EGFR protein (p.His358Gln). This variant is not present in population databases (gnomAD no frequency). This variant has not been reported in the literature in individuals affected with EGFR-related conditions. Invitae Evidence Modeling of protein sequence and biophysical properties (such as structural, functional, and spatial information, amino acid conservation, physicochemical variation, residue mobility, and thermodynamic stability) indicates that this missense variant is not expected to disrupt EGFR protein function with a negative predictive value of 80%. In summary, the available evidence is currently insufficient to determine the role of this variant in disease. Therefore, it has been classified as a Variant of Uncertain Significance.

NM_005228.5(EGFR):c.1074C>A (p.His358Gln)

Genes: EGFR (epidermal growth factor receptor; plus strand), LOC126860048 (P300/CBP strongly-dependent group 1 enhancer GRCh37_chr7:55223847-55225046; plus strand). Cytogenetic location: 7p11.2.
Variant type: single nucleotide variant.
Coding change: c.1074C>A on transcript NM_005228.5 (MANE Select); coding-DNA position 1074, C replaced by A.
Protein change: p.His358Gln; replaces histidine 358 with glutamine.
Molecular consequence: missense variant.
Genome position (GRCh38, 1-based): chr7:55,156,600, C>A. VCF-style: chr7-55156600-C-A. GRCh37 (hg19) VCF-style: chr7-55224293-C-A.
Other names: c.939C>A, p.His313Gln (NM_001346897.2, NM_001346899.2); c.1074C>A, p.His358Gln (NM_001346898.2, NM_201282.2, NM_201283.2 and 1 more transcripts); c.915C>A, p.His305Gln (NM_001346900.2); c.273C>A, p.His91Gln (NM_001346941.2); short protein forms H305Q, H358Q, H91Q, H313Q.
Identifiers: ClinVar variation 2750606 (VCV002750606.3), dbSNP rs2128938308, ClinGen allele CA367578336.